The following is an entry in ClinVar:

ClinVar aggregate classification (germline): Uncertain significance. Review status: criteria provided, multiple submitters, no conflicts (2 of 4 stars). 2 submissions from 2 submitters: Uncertain significance (2). Last evaluated 2021-10-18.

Allele frequency attached by ClinVar (database versions not stated): ExAC 0.00001; gnomAD 0.00001; 1000 Genomes Project 30x 0.00016; 1000 Genomes Project 0.00020.
gnomAD v4.1: 7 of 1,611,820 alleles (0.00043%); highest among the groups gnomAD compares: South Asian, 0.0011%; no homozygotes.

Submissions (2):

Blueprint Genetics
Classification: Uncertain significance. Last evaluated: 2021-10-18. Review status: criteria provided, single submitter. Criteria: ACMG Guidelines, 2015. Collection method: clinical testing. Allele origin: germline.

Labcorp Genetics (formerly Invitae), Labcorp
Classification: Uncertain significance. Last evaluated: 2021-09-02. Review status: criteria provided, single submitter. Criteria: Invitae Variant Classification Sherloc (09022015). Collection method: clinical testing. Allele origin: germline.
Comment: This sequence change replaces aspartic acid with asparagine at codon 4115 of the ADGRV1 protein (p.Asp4115Asn). The aspartic acid residue is moderately conserved and there is a small physicochemical difference between aspartic acid and asparagine. This variant is present in population databases (rs539747361, ExAC 0.006%). This variant has not been reported in the literature in individuals affected with ADGRV1-related conditions. Algorithms developed to predict the effect of missense changes on protein structure and function output the following: SIFT: "Tolerated"; PolyPhen-2: "Benign"; Align-GVGD: "Class C0". The asparagine amino acid residue is found in multiple mammalian species, which suggests that this missense change does not adversely affect protein function. In summary, the available evidence is currently insufficient to determine the role of this variant in disease. Therefore, it has been classified as a Variant of Uncertain Significance.

NM_032119.4(ADGRV1):c.12343G>A (p.Asp4115Asn)

Gene: ADGRV1 (adhesion G protein-coupled receptor V1; plus strand). Cytogenetic location: 5q14.3.
Variant type: single nucleotide variant.
Coding change: c.12343G>A on transcript NM_032119.4 (MANE Select); coding-DNA position 12343, G replaced by A.
Protein change: p.Asp4115Asn; replaces aspartic acid 4115 with asparagine.
Molecular consequence: missense variant. On other transcripts: non-coding transcript variant (1).
Genome position (GRCh38, 1-based): chr5:90,774,243, G>A. VCF-style: chr5-90774243-G-A. GRCh37 (hg19) VCF-style: chr5-90070060-G-A.
Other names: short protein forms D4115N.
Identifiers: ClinVar variation 1388274 (VCV001388274.6), dbSNP rs539747361, ClinGen allele CA3341219.